The following is an entry in ClinVar:

ClinVar aggregate classification (germline): Uncertain significance. Review status: criteria provided, single submitter (1 of 4 stars). 2 submissions from 2 submitters: Uncertain significance (1). 1 of the submissions does not count toward it. Last evaluated 2021-12-06.

Conditions:
DYNC1H1-related disorder. Also called: DYNC1H1-related condition; DYNC1H1-related disorders. Identifiers: MedGen CN381529.
Charcot-Marie-Tooth disease axonal type 2O. Also called: CHARCOT-MARIE-TOOTH NEUROPATHY, AXONAL, TYPE 2O; CHARCOT-MARIE-TOOTH DISEASE, AXONAL, AUTOSOMAL DOMINANT, TYPE 2O; Charcot-Marie-Tooth Neuropathy Type 2O; Charcot-Marie-Tooth disease, axonal, type 20. Identifiers: Orphanet 284232, MedGen C3280220, MONDO:0013644, OMIM 614228.

Submissions (2):

Labcorp Genetics (formerly Invitae), Labcorp
Classification: Uncertain significance for Charcot-Marie-Tooth disease axonal type 2O. Last evaluated: 2021-12-06. Review status: criteria provided, single submitter. Criteria: Invitae Variant Classification Sherloc (09022015). Collection method: clinical testing. Allele origin: germline.
Comment: Algorithms developed to predict the effect of missense changes on protein structure and function are either unavailable or do not agree on the potential impact of this missense change (SIFT: "Deleterious"; PolyPhen-2: "Probably Damaging"; Align-GVGD: "Class C0"). This variant has not been reported in the literature in individuals affected with DYNC1H1-related conditions. This variant is not present in population databases (gnomAD no frequency). This sequence change replaces alanine, which is neutral and non-polar, with valine, which is neutral and non-polar, at codon 1303 of the DYNC1H1 protein (p.Ala1303Val). Algorithms developed to predict the effect of sequence changes on RNA splicing suggest that this variant may create or strengthen a splice site. In summary, the available evidence is currently insufficient to determine the role of this variant in disease. Therefore, it has been classified as a Variant of Uncertain Significance.

PreventionGenetics, part of Exact Sciences
Classification: Uncertain significance for DYNC1H1-related condition. Last evaluated: 2024-06-21. Review status: no assertion criteria provided. Collection method: clinical testing. Allele origin: germline. Not counted in ClinVar's aggregate classification.
Comment: The DYNC1H1 c.3908C>T variant is predicted to result in the amino acid substitution p.Ala1303Val. To our knowledge, this variant has not been reported in the literature or in a large population database, indicating this variant is rare. At this time, the clinical significance of this variant is uncertain due to the absence of conclusive functional and genetic evidence.

NM_001376.5(DYNC1H1):c.3908C>T (p.Ala1303Val)

Gene: DYNC1H1 (dynein cytoplasmic 1 heavy chain 1; plus strand). Cytogenetic location: 14q32.31.
Variant type: single nucleotide variant.
Coding change: c.3908C>T on transcript NM_001376.5 (MANE Select); coding-DNA position 3908, C replaced by T.
Protein change: p.Ala1303Val; replaces alanine 1303 with valine.
Molecular consequence: missense variant.
Genome position (GRCh38, 1-based): chr14:102,000,092, C>T. VCF-style: chr14-102000092-C-T. GRCh37 (hg19) VCF-style: chr14-102466429-C-T.
Other names: short protein forms A1303V.
Identifiers: ClinVar variation 1921038 (VCV001921038.6), dbSNP rs753819954, ClinGen allele CA391038580.
Genomic context (GRCh38, chr14:102,000,092, plus strand): 5'-ATGAGGGGAAGTTTGGTAGGCTGAAGGACGACAGAGAGAAGTGTGCAAAGGCCAAGGAGG[C>T]GCTGGAATTGACAGATACTGGGCTTCTCAGTGGCAGTGAAGAGCGCGTGCAGGTATGAAC-3'
Protein context (NP_001367.2, residues 1293-1313): DREKCAKAKE[Ala1303Val]LELTDTGLLS